The following is an entry in ClinVar:

ClinVar aggregate classification (germline): Uncertain significance (1 of 4 stars; one submission).

Allele frequency attached by ClinVar (database versions not stated): TOPMed below 0.00001; ExAC 0.00001; gnomAD 0.00002; 1000 Genomes Project 30x 0.00016; 1000 Genomes Project 0.00020; gnomAD exomes below 0.00001.
gnomAD v4.1: 7 of 1,438,006 alleles (0.00049%); highest among the groups gnomAD compares: South Asian, 0.0018%; no homozygotes.

Submission:

Labcorp Genetics (formerly Invitae), Labcorp
Classification: Uncertain significance. Last evaluated: 2024-12-17. Review status: criteria provided, single submitter. Criteria: Invitae Variant Classification Sherloc (09022015). Collection method: clinical testing. Allele origin: germline.
Comment: This sequence change replaces threonine, which is neutral and polar, with alanine, which is neutral and non-polar, at codon 1502 of the CDK13 protein (p.Thr1502Ala). This variant is present in population databases (rs201486394, gnomAD 0.005%). This variant has not been reported in the literature in individuals affected with CDK13-related conditions. ClinVar contains an entry for this variant (Variation ID: 2718911). Invitae Evidence Modeling of protein sequence and biophysical properties (such as structural, functional, and spatial information, amino acid conservation, physicochemical variation, residue mobility, and thermodynamic stability) indicates that this missense variant is not expected to disrupt CDK13 protein function with a negative predictive value of 95%. In summary, the available evidence is currently insufficient to determine the role of this variant in disease. Therefore, it has been classified as a Variant of Uncertain Significance.

NM_003718.5(CDK13):c.4504A>G (p.Thr1502Ala)

Gene: CDK13 (cyclin dependent kinase 13; plus strand). Cytogenetic location: 7p14.1.
Variant type: single nucleotide variant.
Coding change: c.4504A>G on transcript NM_003718.5 (MANE Select); coding-DNA position 4504, A replaced by G.
Protein change: p.Thr1502Ala; replaces threonine 1502 with alanine.
Molecular consequence: missense variant.
Genome position (GRCh38, 1-based): chr7:40,094,945, A>G. VCF-style: chr7-40094945-A-G. GRCh37 (hg19) VCF-style: chr7-40134544-A-G.
Other names: c.4324A>G, p.Thr1442Ala (NM_031267.4); short protein forms T1442A, T1502A.
Identifiers: ClinVar variation 2718911 (VCV002718911.3), dbSNP rs201486394, ClinGen allele CA4229139.